The following is an entry in ClinVar:

NM_006204.4(PDE6C):c.2284-10C>A

Gene: PDE6C (phosphodiesterase 6C; plus strand). Cytogenetic location: 10q23.33.
Variant type: single nucleotide variant.
Coding change: c.2284-10C>A on transcript NM_006204.4 (MANE Select); 10 bases into the intron before coding-DNA position 2284, C replaced by A.
Molecular consequence: intron variant.
Genome position (GRCh38, 1-based): chr10:93,662,550, C>A. VCF-style: chr10-93662550-C-A. GRCh37 (hg19) VCF-style: chr10-95422307-C-A.
Identifiers: ClinVar variation 999116 (VCV000999116.13), dbSNP rs1199306848, ClinGen allele CA595284962.
Genomic context (GRCh38, chr10:93,662,550, plus strand): 5'-CAGGACAAATCAGTCTGTTTTGTTCATACATCTTAGAAACCTGTCTTAAAGGATTTATTT[C>A]TCTTTCTAGCCTATGATGGACAGAAACAAAAGAGATGAATTACCTAAACTTCAAGTTGGA-3'

ClinVar aggregate classification (germline): Conflicting classifications of pathogenicity. Review status: criteria provided, conflicting classifications (1 of 4 stars). 2 submissions from 2 submitters: Uncertain significance (1); Likely benign (1). Last evaluated 2024-02-28.

Conditions:
Achromatopsia. Also called: Rod monochromatism. Identifiers: Orphanet 49382, MedGen C0152200, MONDO:0018852, HP:0011516.
Cone dystrophy 4 (COD4). Identifiers: Orphanet 49382, MedGen C2751308, MONDO:0013129, OMIM 613093.

Allele frequency attached by ClinVar (database versions not stated): gnomAD 0.00001; gnomAD exomes 0.00001; TOPMed 0.00002.
gnomAD v4.1: 9 of 1,237,304 alleles (0.00073%); highest among the groups gnomAD compares: Admixed American, 0.0052%; no homozygotes.

Submissions (2):

Blueprint Genetics
Classification: Uncertain significance. Last evaluated: 2024-02-28. Review status: criteria provided, single submitter. Criteria: ACMG Guidelines, 2015. Collection method: clinical testing. Allele origin: germline.

Labcorp Genetics (formerly Invitae), Labcorp
Classification: Likely benign. Last evaluated: 2024-02-17. Review status: criteria provided, single submitter. Criteria: Invitae Variant Classification Sherloc (09022015). Collection method: clinical testing. Allele origin: germline.